The following is an entry in ClinVar:

ClinVar aggregate classification (germline): Uncertain significance (1 of 4 stars; one submission).

Conditions:
Nephronophthisis 14 (NPHP14). Identifiers: Orphanet 2318, MedGen C3539071, MONDO:0013916, OMIM 614844.

Allele frequency attached by ClinVar (database versions not stated): gnomAD exomes below 0.00001.
gnomAD v4.1: 1 of 1,614,100 alleles (0.000062%); highest among the groups gnomAD compares: Admixed American, 0.0017%; no homozygotes.

Submission:

Labcorp Genetics (formerly Invitae), Labcorp
Classification: Uncertain significance for Nephronophthisis 14. Last evaluated: 2022-09-27. Review status: criteria provided, single submitter. Criteria: Invitae Variant Classification Sherloc (09022015). Collection method: clinical testing. Allele origin: germline.
Comment: This sequence change replaces glycine, which is neutral and non-polar, with serine, which is neutral and polar, at codon 775 of the ZNF423 protein (p.Gly775Ser). This variant is not present in population databases (gnomAD no frequency). This variant has not been reported in the literature in individuals affected with ZNF423-related conditions. Advanced modeling of protein sequence and biophysical properties (such as structural, functional, and spatial information, amino acid conservation, physicochemical variation, residue mobility, and thermodynamic stability) performed at Invitae indicates that this missense variant is not expected to disrupt ZNF423 protein function. In summary, the available evidence is currently insufficient to determine the role of this variant in disease. Therefore, it has been classified as a Variant of Uncertain Significance.

NM_001379286.1(ZNF423):c.2347G>A (p.Gly783Ser)

Gene: ZNF423 (zinc finger protein 423; minus strand). Cytogenetic location: 16q12.1.
Variant type: single nucleotide variant.
Coding change: c.2347G>A on transcript NM_001379286.1 (MANE Select); coding-DNA position 2347, G replaced by A.
Protein change: p.Gly783Ser; replaces glycine 783 with serine.
Molecular consequence: missense variant.
Genome position (GRCh38, 1-based): chr16:49,636,829, C>T on the plus strand (G>A on the coding strand, the complement: ZNF423 is on the minus strand). VCF-style: chr16-49636829-C-T. GRCh37 (hg19) VCF-style: chr16-49670740-C-T.
Other names: c.2143G>A, p.Gly715Ser (NM_001271620.2); c.1972G>A, p.Gly658Ser (NM_001330533.2); c.2323G>A, p.Gly775Ser (NM_015069.5); short protein forms G658S, G715S, G775S, G783S.
Identifiers: ClinVar variation 1722086 (VCV001722086.5), dbSNP rs1972740419, ClinGen allele CA395843219.